The following is an entry in ClinVar:

ClinVar aggregate classification (germline): Conflicting classifications of pathogenicity. Review status: criteria provided, conflicting classifications (1 of 4 stars). 4 submissions from 4 submitters: Uncertain significance (2); Likely benign (2). Last evaluated 2025-02-26.

Conditions:
Hereditary cancer. Identifiers: MedGen C1333600.
Hereditary cancer-predisposing syndrome. Also called: Hereditary Cancer Syndrome; Tumor predisposition; Neoplastic Syndromes, Hereditary; Hereditary neoplastic syndrome. Identifiers: Orphanet 140162, MedGen C0027672, MeSH D009386, MONDO:0015356.

Allele frequency attached by ClinVar (database versions not stated): 1000 Genomes Project 30x 0.00016; 1000 Genomes Project 0.00020; ESP Exome Variant Server 0.00038; ExAC 0.00040; gnomAD 0.00041 and 0.00044; TOPMed 0.00042; gnomAD exomes 0.00047.
gnomAD v4.1: 700 of 1,609,584 alleles (0.043%); highest among the groups gnomAD compares: Middle Eastern, 0.066%; no homozygotes.

Submissions (6):

Mendelics
Classification: Likely benign for Hereditary cancer. Last evaluated: 2025-02-26. Review status: criteria provided, single submitter. Criteria: ACMG Guidelines, 2015. Collection method: clinical testing. Allele origin: unknown.
Comment: This variant is considered likely benign or benign based on one or more of the following: it is predicted to be benign by multiple in silico algorithms, and/or has population frequency not consistent with disease, and/or has normal protein function, and/or has lack of segregation with disease, and/or has been detected in co-occurrence with known pathogenic variant, and/or has lack of disease association in case-control studies, and/or is located in a region inconsistent with a known cause of pathogenicity.

Ambry Genetics
Classification: Uncertain significance. Last evaluated: 2024-08-23. Review status: criteria provided, single submitter. Criteria: Ambry Variant Classification Scheme 2023. Collection method: clinical testing. Allele origin: germline.
Comment: The c.1036+5G>A intronic variant results from a G to A substitution 5 nucleotides after coding exon 9 in the RAD51B gene. This nucleotide position is highly conserved in available vertebrate species. In silico splice site analysis for this alteration is inconclusive. The evidence for this gene-disease relationship is limited; therefore, the clinical significance of this alteration is unclear.

Labcorp Genetics (formerly Invitae), Labcorp
Classification: Likely benign. Last evaluated: 2019-12-31. Review status: criteria provided, single submitter. Criteria: Invitae Variant Classification Sherloc (09022015). Collection method: clinical testing. Allele origin: germline.

GeneKor MSA
Classification: Uncertain significance for Hereditary cancer-predisposing syndrome. Last evaluated: 2018-08-01. Review status: criteria provided, single submitter. Criteria: ACMG Guidelines, 2015. Collection method: clinical testing. Allele origin: germline.

Dr. Peter K. Rogan Lab, Western University
No classification provided (evidence only). Condition: Acute myeloid leukemia. Review status: no classification provided. Collection method: in vitro. Allele origin: not applicable. Functional consequence: retained intron. Not counted in ClinVar's aggregate classification.

Dr. Peter K. Rogan Lab, Western University
No classification provided (evidence only). Condition: Colon adenocarcinoma. Review status: no classification provided. Collection method: in vitro. Allele origin: not applicable. Functional consequence: skipped exon. Not counted in ClinVar's aggregate classification.

NM_133510.4(RAD51B):c.1036+5G>A

Gene: RAD51B (RAD51 paralog B; plus strand). Cytogenetic location: 14q24.1.
Variant type: single nucleotide variant.
Coding change: c.1036+5G>A on transcript NM_133510.4 (MANE Select); 5 bases into the intron after coding-DNA position 1036, G replaced by A.
Molecular consequence: intron variant.
Genome position (GRCh38, 1-based): chr14:68,468,255, G>A. VCF-style: chr14-68468255-G-A. GRCh37 (hg19) VCF-style: chr14-68934972-G-A.
Other names: NC_000014.8:g.68934972G>A; c.1036+5G>A (NM_001321818.2, NM_001321809.2, NM_001321821.2 and 7 more transcripts); c.679+5G>A (NM_001321817.2); c.922+5G>A (NM_001321815.1).
Identifiers: ClinVar variation 584550 (VCV000584550.8), dbSNP rs148518198, ClinGen allele CA7241309.